The following is an entry in ClinVar:

NM_004793.4(LONP1):c.518+4A>T

Gene: LONP1 (lon peptidase 1, mitochondrial; minus strand). Cytogenetic location: 19p13.3.
Variant type: single nucleotide variant.
Coding change: c.518+4A>T on transcript NM_004793.4 (MANE Select); 4 bases into the intron after coding-DNA position 518, A replaced by T.
Molecular consequence: intron variant.
Genome position (GRCh38, 1-based): chr19:5,714,179, T>A on the plus strand (A>T on the coding strand, the complement: LONP1 is on the minus strand). VCF-style: chr19-5714179-T-A. GRCh37 (hg19) VCF-style: chr19-5714190-T-A.
Other names: c.-71+4A>T (NM_001276480.1); c.326+4A>T (NM_001276479.2).
Identifiers: ClinVar variation 2165471 (VCV002165471.4), dbSNP rs764570610, ClinGen allele CA9115111.

ClinVar aggregate classification (germline): Uncertain significance (1 of 4 stars; one submission).

Allele frequency attached by ClinVar (database versions not stated): gnomAD 0.00001; ExAC 0.00002.
gnomAD v4.1: 30 of 1,610,970 alleles (0.0019%); highest among the groups gnomAD compares: Admixed American, 0.013%; no homozygotes.

Submission:

Labcorp Genetics (formerly Invitae), Labcorp
Classification: Uncertain significance. Last evaluated: 2022-10-18. Review status: criteria provided, single submitter. Criteria: Invitae Variant Classification Sherloc (09022015). Collection method: clinical testing. Allele origin: germline.
Comment: This variant is present in population databases (rs764570610, gnomAD 0.02%). In summary, the available evidence is currently insufficient to determine the role of this variant in disease. Therefore, it has been classified as a Variant of Uncertain Significance. Variants that disrupt the consensus splice site are a relatively common cause of aberrant splicing (PMID: 17576681, 9536098). Algorithms developed to predict the effect of sequence changes on RNA splicing suggest that this variant is not likely to affect RNA splicing. This variant has not been reported in the literature in individuals affected with LONP1-related conditions. This sequence change falls in intron 2 of the LONP1 gene. It does not directly change the encoded amino acid sequence of the LONP1 protein. It affects a nucleotide within the consensus splice site.

Literature cited by the submitters: PubMed 17576681; PubMed 9536098.